The following is an entry in ClinVar:

NM_032444.4(SLX4):c.2118C>T (p.His706=)

Gene: SLX4 (SLX4 structure-specific endonuclease subunit; minus strand). Cytogenetic location: 16p13.3.
Variant type: single nucleotide variant.
Coding change: c.2118C>T on transcript NM_032444.4 (MANE Select); coding-DNA position 2118, C replaced by T.
Protein change: p.His706=; no amino-acid change (histidine 706 retained).
Molecular consequence: synonymous variant.
Genome position (GRCh38, 1-based): chr16:3,594,495, G>A on the plus strand (C>T on the coding strand, the complement: SLX4 is on the minus strand). VCF-style: chr16-3594495-G-A. GRCh37 (hg19) VCF-style: chr16-3644496-G-A.
Other names: c.2118C>T (LRG_503t1).
Identifiers: ClinVar variation 436782 (VCV000436782.29), dbSNP rs371401752, ClinGen allele CA7866287.

ClinVar aggregate classification (germline): Conflicting classifications of pathogenicity. Review status: criteria provided, conflicting classifications (1 of 4 stars). 3 submissions from 3 submitters: Uncertain significance (1); Likely benign (2). Last evaluated 2025-11-03.

Conditions:
Fanconi anemia (FA). Also called: Fanconi's anemia. Identifiers: Orphanet 84, MedGen C0015625, MeSH D005199, MONDO:0019391.

Allele frequency attached by ClinVar (database versions not stated): gnomAD exomes below 0.00001 and 0.00002; gnomAD 0.00001; ExAC 0.00002; TOPMed 0.00004.

Submissions (3):

Labcorp Genetics (formerly Invitae), Labcorp
Classification: Likely benign for Fanconi anemia. Last evaluated: 2025-11-03. Review status: criteria provided, single submitter. Criteria: Invitae Variant Classification Sherloc (09022015). Collection method: clinical testing. Allele origin: germline.

CeGaT Center for Human Genetics Tuebingen
Classification: Likely benign. Last evaluated: 2025-02-01. Review status: criteria provided, single submitter. Criteria: CeGaT Center For Human Genetics Tuebingen Variant Classification Criteria Version 2. Collection method: clinical testing. Allele origin: germline. Affected: yes. Observed: 1 variant allele.
Comment: SLX4: BP4, BP7

Genetic Services Laboratory, University of Chicago
Classification: Uncertain significance. Last evaluated: 2015-09-29. Review status: criteria provided, single submitter. Criteria: ACMG Guidelines, 2015. Collection method: clinical testing. Allele origin: germline. Affected: no.